The following is an entry in ClinVar:

ClinVar aggregate classification (germline): Likely benign. Review status: criteria provided, multiple submitters, no conflicts (2 of 4 stars). 3 submissions from 3 submitters: Likely benign (2). 1 of the submissions does not count toward it. Last evaluated 2025-11-05.

Conditions:
DCTN1-related disorder. Also called: DCTN1-related condition.
Neuronopathy, distal hereditary motor, type 7B. Also called: NEURONOPATHY, DISTAL HEREDITARY MOTOR, AUTOSOMAL DOMINANT 14; NEURONOPATHY, DISTAL HEREDITARY MOTOR, HARDING TYPE VIIB; NEUROPATHY, DISTAL HEREDITARY MOTOR, HARDING TYPE VIIB; NEUROPATHY, DISTAL HEREDITARY MOTOR, WITH VOCAL CORD PARALYSIS, HARDING TYPE VIIB; Distal Hereditary Motor Neuronopathy Type 7B (dHMN7B); HMN VIIB. Identifiers: Orphanet 139589, MedGen C1843315, MONDO:0011879, OMIM 607641.
Perry syndrome. Also called: PARKINSONISM WITH ALVEOLAR HYPOVENTILATION AND MENTAL DEPRESSION. Identifiers: Orphanet 178509, MedGen C1868594, MONDO:0008201, OMIM 168605.
Amyotrophic lateral sclerosis type 1 (ALS1). Also called: AMYOTROPHIC LATERAL SCLEROSIS 1, FAMILIAL. Identifiers: Orphanet 803, MedGen C1862939, MONDO:0007103, OMIM 105400.

Allele frequency attached by ClinVar (database versions not stated): TOPMed 0.00002; gnomAD 0.00003; ExAC 0.00007; gnomAD exomes 0.00007.
gnomAD v4.1: 50 of 1,614,136 alleles (0.0031%); highest among the groups gnomAD compares: Non-Finnish European, 0.0031%; no homozygotes.

Submissions (3):

Labcorp Genetics (formerly Invitae), Labcorp
Classification: Likely benign for Amyotrophic lateral sclerosis type 1; Neuronopathy, distal hereditary motor, type 7B; Perry syndrome. Last evaluated: 2025-11-05. Review status: criteria provided, single submitter. Criteria: Invitae Variant Classification Sherloc (09022015). Collection method: clinical testing. Allele origin: germline.

Blueprint Genetics
Classification: Likely benign. Last evaluated: 2023-04-24. Review status: criteria provided, single submitter. Criteria: ACMG Guidelines, 2015. Collection method: clinical testing. Allele origin: germline.

PreventionGenetics, part of Exact Sciences
Classification: Likely benign for DCTN1-related condition. Last evaluated: 2022-12-07. Review status: no assertion criteria provided. Collection method: clinical testing. Allele origin: germline. Not counted in ClinVar's aggregate classification.
Comment: This variant is classified as likely benign based on ACMG/AMP sequence variant interpretation guidelines (Richards et al. 2015 PMID: 25741868, with internal and published modifications).

NM_004082.5(DCTN1):c.2823G>A (p.Leu941=)

Gene: DCTN1 (dynactin subunit 1; minus strand). Cytogenetic location: 2p13.1.
Variant type: single nucleotide variant.
Coding change: c.2823G>A on transcript NM_004082.5 (MANE Select); coding-DNA position 2823, G replaced by A.
Protein change: p.Leu941=; no amino-acid change (leucine 941 retained).
Molecular consequence: synonymous variant. On other transcripts: non-coding transcript variant (1).
Genome position (GRCh38, 1-based): chr2:74,365,956, C>T on the plus strand (G>A on the coding strand, the complement: DCTN1 is on the minus strand). VCF-style: chr2-74365956-C-T. GRCh37 (hg19) VCF-style: chr2-74593083-C-T.
Other names: c.2763G>A, p.Leu921= (NM_001135040.3); c.2421G>A, p.Leu807= (NM_001135041.3, NM_023019.4); c.2712G>A, p.Leu904= (NM_001190836.2); c.2802G>A, p.Leu934= (NM_001190837.2); c.2772G>A, p.Leu924= (NM_001378991.1); c.2754G>A, p.Leu918= (NM_001378992.1); c.2823G>A (NM_004082.4).
Identifiers: ClinVar variation 1085070 (VCV001085070.12), dbSNP rs550195526, ClinGen allele CA1721707.